The following is an entry in ClinVar:

ClinVar aggregate classification (germline): Likely benign (1 of 4 stars; one submission).

gnomAD v4.1: 124 of 702,134 alleles (0.018%); highest among the groups gnomAD compares: Non-Finnish European, 0.028%; no homozygotes.

Submission:

CeGaT Center for Human Genetics Tuebingen
Classification: Likely benign. Last evaluated: 2026-06-01. Review status: criteria provided, single submitter. Criteria: CeGaT Center For Human Genetics Tuebingen Variant Classification Criteria Version 2. Collection method: clinical testing. Allele origin: germline. Affected: yes. Observed: 1 variant allele.
Comment: CMPK2: BP4, BP7

NM_001256478.1(CMPK2):c.1056G>T (p.Gly352=)

Gene: CMPK2 (cytidine/uridine monophosphate kinase 2; minus strand). Cytogenetic location: 2p25.2.
Variant type: single nucleotide variant.
Coding change: c.1056G>T on transcript NM_001256478.1; coding-DNA position 1056, G replaced by T.
Protein change: p.Gly352=; no amino-acid change (glycine 352 retained).
Molecular consequence: synonymous variant.
Genome position (GRCh38, 1-based): chr2:6,840,615, C>A on the plus strand (G>T on the coding strand, the complement: CMPK2 is on the minus strand). VCF-style: chr2-6840615-C-A. GRCh37 (hg19) VCF-style: chr2-6980746-C-A.
Identifiers: ClinVar variation 4873600 (VCV004873600.2).